The following is an entry in ClinVar:

NM_001352913.2(PPP2R5C):c.176T>C (p.Ile59Thr)

Gene: PPP2R5C (protein phosphatase 2 regulatory subunit B'gamma; plus strand). Cytogenetic location: 14q32.31.
Variant type: single nucleotide variant.
Coding change: c.176T>C on transcript NM_001352913.2 (MANE Select); coding-DNA position 176, T replaced by C.
Protein change: p.Ile59Thr; replaces isoleucine 59 with threonine.
Molecular consequence: missense variant. On other transcripts: intron variant (2).
Genome position (GRCh38, 1-based): chr14:101,786,100, T>C. VCF-style: chr14-101786100-T-C. GRCh37 (hg19) VCF-style: chr14-102252437-T-C.
Other names: c.176T>C, p.Ile59Thr (NM_001161726.2); c.191T>C, p.Ile64Thr (NM_001352914.2); c.93+23130T>C (NM_001161725.2); c.-132+23130T>C (NM_001352915.2); short protein forms I59T, I64T.
Identifiers: ClinVar variation 5020875 (VCV005020875.1).

ClinVar aggregate classification (germline): Uncertain significance (1 of 4 stars; one submission).

Submission:

Dasa
Classification: Uncertain significance. Last evaluated: 2026-08-01. Review status: criteria provided, single submitter. Criteria: DASA Assertion Criteria. Collection method: clinical testing. Allele origin: germline.
Comment: NM_001352913.2(PPP2R5C):c.176T>C (p.Ile59Thr) is a missense variant that results in the substitution of isoleucine with threonine. This variant is absent from population databases. Computational prediction algorithms are consistent with a benign effect. The currently available literature and clinical evidence are not sufficient to establish a definitive association between this variant and the reported condition. Therefore, this variant is classified as a variant of uncertain significance.